The following is an entry in ClinVar:

NM_005343.4(HRAS):c.173C>T (p.Thr58Ile)

Genes: HRAS (HRas proto-oncogene, GTPase; minus strand), LRRC56 (leucine rich repeat containing 56; plus strand). Cytogenetic location: 11p15.5.
Variant type: single nucleotide variant.
Coding change: c.173C>T on transcript NM_005343.4 (MANE Select); coding-DNA position 173, C replaced by T.
Protein change: p.Thr58Ile; replaces threonine 58 with isoleucine.
Molecular consequence: missense variant. On other transcripts: 5 prime UTR variant (1).
Genome position (GRCh38, 1-based): chr11:533,883, G>A on the plus strand (C>T on the coding strand, the complement: HRAS is on the minus strand). VCF-style: chr11-533883-G-A. GRCh37 (hg19) VCF-style: chr11-533883-G-A.
Other names: NM_176795.4(HRAS):c.173C>T; NM_005343.4(HRAS):c.173C>T; c.173C>T, p.Thr58Ile (NM_001130442.3, NM_176795.5); c.-147C>T (NM_001318054.2); short protein forms T58I.
Identifiers: ClinVar variation 12610 (VCV000012610.45), dbSNP rs121917758, ClinGen allele CA341206.
Genomic context (GRCh38, chr11:533,883, plus strand): 5'-AAGCCCTCCCCGGTGCGCATGTACTGGTCCCGCATGGCGCTGTACTCCTCCTGGCCGGCG[G>A]TATCCAGGATGTCCAACAGGCACGTCTCCCCATCAATGACCACCTGCTTCCGGTAGGAAT-3'
Protein context (NP_005334.1, residues 48-68): GETCLLDILD[Thr58Ile]AGQEEYSAMR

ClinVar aggregate classification (germline): Pathogenic. Review status: reviewed by expert panel (3 of 4 stars). 10 submissions from 10 submitters: Pathogenic (1). 9 of the submissions do not count toward it. Last evaluated 2024-12-03.

Conditions:
HRAS-related disorder. Also called: HRAS-related condition.
RASopathy. Also called: Noonan spectrum disorder; rasopathies. Identifiers: Orphanet 536391, MedGen C5555857, MONDO:0021060.
Costello syndrome (CSTLO). Also called: FCS SYNDROME; FACIOCUTANEOSKELETAL SYNDROME; HRAS-Related Costello Syndrome. Identifiers: Orphanet 3071, MedGen C0587248, MONDO:0009026, OMIM 218040.

Allele frequency attached by ClinVar (database versions not stated): gnomAD exomes below 0.00001.
gnomAD v4.1: 1 of 1,613,288 alleles (0.000062%); highest among the groups gnomAD compares: Middle Eastern, 0.016%; no homozygotes.

Submissions (10):

ClinGen RASopathy Variant Curation Expert Panel
Classification: Pathogenic for RASopathy. Last evaluated: 2024-12-03. Review status: reviewed by expert panel. Criteria: ClinGen RASopathy ACMG Specifications HRAS V2.3.0. Collection method: curation. Allele origin: germline. Inheritance: Autosomal dominant inheritance.
Comment: The c.173C>T variant in the HRAS gene is a missense variant predicted to cause substitution of threonine by isoleucine at amino acid 58 (p.Thr58Ile). This variant is absent from gnomAD v2.1.1 (PM2_Supporting). The computational predictor REVEL gives a score of 0.777, which is above the threshold of 0.7, evidence that correlates with impact to HRAS function (PP3). This variant resides within a region (amino acids 57 – 64), of HRAS that is defined as a critical functional domain by the ClinGen RASopathy VCEP (PM1). The p.Thr58Ile variant in HRAS is analogous to the same previously established amino acid change in the KRAS gene and the ClinGen RASopathy Expert Panel has defined that the pathogenicity of analogous variants in the HRAS and KRAS genes are correlated based on the assumption that a known functional residue in one gene is equivalent to other functions within that subgroup (PS1). At least 4 independent occurrences of this variant have been detected in patients with a RASopathy, of which 1 was reported as a de novo occurrence (PS2, PS4_Moderate; CeGaT Center for Human Genetics, ClinVar SCV003916655.13; PMIDs: 22488832, 18247425, 23321623, 26888048). In summary, this variant meets criteria to be classified as pathogenic for autosomal dominant RASopathies based on the ACMG/AMP criteria applied, as specified by the ClinGen RASopathy Variant Curation Expert Panel: PS1, PS2, PS4_Moderate, PM1, PM2_Supporting, PP3 (Specification Version 2.3, 12/3/2024)

Women's Health and Genetics/Laboratory Corporation of America, LabCorp
Classification: Pathogenic for Costello syndrome. Last evaluated: 2026-05-01. Review status: criteria provided, single submitter. Criteria: LabCorp Variant Classification Summary - May 2015. Collection method: clinical testing. Allele origin: germline. Not counted in ClinVar's aggregate classification.
Comment: Variant summary: HRAS c.173C>T (p.Thr58Ile) results in a non-conservative amino acid change in the encoded protein sequence. Algorithms developed to predict the effect of missense changes on protein structure and function all suggest that this variant is likely to be disruptive. The variant was absent in 251232 control chromosomes. c.173C>T has been observed in the heterozygous state in at least 3 individual(s) affected with clinical features and/or diagnosis of Costello syndrome (example, Gripp_2012) and was noted to present with an attenuated phenotype (Gripp_2015). In at least 2 individuals, this variant was observed to be de novo. These data indicate that the variant may be associated with disease. The following publications have been ascertained in the context of this evaluation (PMID: 22488832, 25914166). ClinVar contains an entry for this variant (Variation ID: 12610). Based on the evidence outlined above, the variant was classified as pathogenic.

3billion
Classification: Pathogenic for Costello syndrome. Last evaluated: 2026-01-21. Review status: criteria provided, single submitter. Criteria: ACMG Guidelines, 2015. Collection method: clinical testing. Allele origin: germline. Affected: yes. Not counted in ClinVar's aggregate classification.
Comment: The variant is observed at an extremely low frequency in the gnomAD v4.1.0 dataset (total allele frequency: <0.001%). Predicted Consequence/Location: The variant is located in a mutational hot spot and/or well-established functional domain in which established pathogenic variants have been reported (PMID: 29493581). In silico tool predictions suggest damaging effect of the variant on gene or gene product [REVEL: 0.78 (>=0.6, sensitivity 0.68 and specificity 0.92); 3Cnet: 0.99 (> 0.75, sensitivity 0.96 and precision 0.92)]. The same nucleotide change resulting in the same amino acid change has been previously reported as pathogenic/likely pathogenic with strong evidence (ClinVar ID: VCV000012610 /PMID: 18247425). The variant has been observed in at least two similarly affected unrelated individuals (PMID: 16921267, 18247425, 20949621, 22488832, 23321623). The variant has been previously reported as assumed (i.e. paternity and maternity not confirmed) de novo in at least one similarly affected unrelated individual (PMID: 16474405, 20112233). Therefore, this variant is classified as Pathogenic according to the recommendation of ACMG/AMP guideline.

Labcorp Genetics (formerly Invitae), Labcorp
Classification: Pathogenic for Costello syndrome. Last evaluated: 2024-09-24. Review status: criteria provided, single submitter. Criteria: Invitae Variant Classification Sherloc (09022015). Collection method: clinical testing. Allele origin: germline. Not counted in ClinVar's aggregate classification.
Comment: This sequence change replaces threonine, which is neutral and polar, with isoleucine, which is neutral and non-polar, at codon 58 of the HRAS protein (p.Thr58Ile). This variant is not present in population databases (gnomAD no frequency). This missense change has been observed in individual(s) with clinical features of Costello syndrome (PMID: 18247425, 22488832, 26888048). In at least one individual the variant was observed to be de novo. ClinVar contains an entry for this variant (Variation ID: 12610). Invitae Evidence Modeling incorporating data from in vitro experimental studies (internal data) indicates that this missense variant is expected to disrupt HRAS function with a positive predictive value of 95%. For these reasons, this variant has been classified as Pathogenic.

CeGaT Center for Human Genetics Tuebingen
Classification: Pathogenic. Last evaluated: 2024-09-01. Review status: criteria provided, single submitter. Criteria: CeGaT Center For Human Genetics Tuebingen Variant Classification Criteria Version 2. Collection method: clinical testing. Allele origin: germline. Affected: yes. Observed: 2 variant alleles. Not counted in ClinVar's aggregate classification.
Comment: HRAS: PS2, PM1, PM2, PS4:Moderate, PP3

Victorian Clinical Genetics Services, Murdoch Childrens Research Institute
Classification: Pathogenic for Costello syndrome. Last evaluated: 2022-09-02. Review status: criteria provided, single submitter. Criteria: ACMG Guidelines, 2015. Collection method: clinical testing. Allele origin: germline. Inheritance: Autosomal dominant inheritance. Affected: yes. Not counted in ClinVar's aggregate classification.
Comment: Based on the classification scheme VCGS_Germline_v1.3.4, this variant is classified as Pathogenic. Following criteria are met: 0101 - Gain of function is a known mechanism of disease in this gene and is associated with Costello syndrome (MIM#218040) [PMID: 31222966]. (I) 0107 - This gene is associated with autosomal dominant disease. (I) 0115 - Variants in this gene are known to have variable expressivity (GeneReviews).(I) 0200 - Variant is predicted to result in a missense amino acid change from threonine to isoleucine. (I) 0251 - This variant is heterozygous. (I) 0301 - Variant is absent from gnomAD (both v2 and v3). (SP) 0309 - An alternative amino acid change at the same position has been observed in gnomAD (v2) (1 heterozygote, 0 homozygotes). (I) 0501 - Missense variant consistently predicted to be damaging by multiple in silico tools or highly conserved with a major amino acid change. (SP) 0602 - Variant is located in a hotspot region or cluster of pathogenic variants in the Ras domain (Decipher; PMID 29493581). (SP) 0801 - This variant has strong previous evidence of pathogenicity in unrelated individuals. This variant has been reported as de novo in at least two individuals with Costello syndrome (PMID 18247425; PMID 26888048). It has also been reported in a father and child with an attenuated Costello syndrome phenotype (PMID 22488832). This variant has been classified as pathogenic by the ClinGen RASopathy Variant Curation Expert Panel (ClinVar). (SP) 1102 - Strong phenotype match for this individual. (SP) 1208 - Inheritance information for this variant is not currently available in this individual. (I) Legend: (SP) - Supporting pathogenic, (I) - Information, (SB) - Supporting benign

Genetics and Molecular Pathology, SA Pathology
Classification: Pathogenic for Costello syndrome. Last evaluated: 2020-06-12. Review status: criteria provided, single submitter. Criteria: ACMG Guidelines, 2015. Collection method: clinical testing. Allele origin: germline. Affected: yes. Not counted in ClinVar's aggregate classification.
Comment: PS1, PS4_supporting, PM1, PM2, PP5 The HRAS c.173C>T variant is a single nucleotide change from a cytosine to a thymine at position 173 which is predicted to substitute the amino acid threonine at position 58 in the protein to isoleucine. The variant is located in exon 3. This variant has been reported in the literature in patients with Costello syndrome, and this particular variant appears to be associated with an attenuated phenotype and has been described in a father and son (PMID: 22488832; PMID: 18247425) (PS4_supporting). The variant is in dbSNP (rs121917758) but is absent from population databases (PM2). This variant has been classified by the ClinGen RASopathy Variant Curation Expert Panel as Pathogenic and is reported as Pathogenic in the ClinVar database (Variation ID: 12610) (PP5).

Laboratory for Molecular Medicine, Mass General Brigham Personalized Medicine
Classification: Pathogenic for Costello syndrome. Last evaluated: 2014-09-23. Review status: criteria provided, single submitter. Criteria: LMM Criteria. Collection method: clinical testing. Allele origin: germline. Observed: 1 variant allele. Not counted in ClinVar's aggregate classification.
Comment: The Thr58Ile variant in HRAS has been reported in three individuals with clinica l features of Costello syndrome (Gripp 2008, Gripp 2012, LMM unpublished data). It was identified to occur de novo in two of these individuals and segregated w ith disease in one affected relative from one of these families. This variant wa s absent from large population studies. Computational prediction tools and conse rvation analysis suggest that this variant may impact the protein, though this i nformation is not predictive enough to determine pathogenicity. In summary, this variant meets our criteria to be classified as pathogenic (s.org/LMM).

PreventionGenetics, part of Exact Sciences
Classification: Pathogenic for HRAS-related condition. Last evaluated: 2024-06-06. Review status: no assertion criteria provided. Collection method: clinical testing. Allele origin: germline. Not counted in ClinVar's aggregate classification.
Comment: The HRAS c.173C>T variant is predicted to result in the amino acid substitution p.Thr58Ile. This variant has been repeatedly confirmed de novo in individuals with clinical features of Costello syndrome (Gripp et al. 2008. PubMed ID: 18247425; Gripp et al. 2012. PubMed ID: 22488832; Hiippala et al. 2016. PubMed ID: 26888048). This variant has not been reported in a large population database, indicating this variant is rare. This variant has been interpreted as pathogenic by the ClinGen RASopathy Variant Curation Expert Panel. This variant is interpreted as pathogenic.

OMIM
Classification: Pathogenic for COSTELLO SYNDROME. Last evaluated: 2008-03-15. Review status: no assertion criteria provided. Collection method: literature only. Allele origin: germline. Not counted in ClinVar's aggregate classification.

Literature cited by the submitters: PubMed 22488832 (cited by 6 submitters); PubMed 25914166 (cited by Women's Health and Genetics/Laboratory Corporation of America, LabCorp); PubMed 29493581 (cited by 3billion and Victorian Clinical Genetics Services, Murdoch Childrens Research Institute); PubMed 20112233 (cited by 3billion); PubMed 23321623 (cited by 3billion); PubMed 20949621 (cited by 3billion); PubMed 16474405 (cited by 3billion); PubMed 16921267 (cited by 3billion); PubMed 18247425 (cited by 6 submitters); PubMed 26888048 (cited by Labcorp Genetics (formerly Invitae), Labcorp and Victorian Clinical Genetics Services, Murdoch Childrens Research Institute); PubMed 31222966 (cited by Victorian Clinical Genetics Services, Murdoch Childrens Research Institute).